The following is an entry in ClinVar:

NM_000368.5(TSC1):c.2771_2772insTTTTTATTTTTTATTTTTTTTTTTTTTATTTTTTTTTTAAAGGTAACATTCATCAGTAGCGCAGGTTGTTTTTGTATTGGGGGGTAAATCCTCAAGTCAAGCTCGACAGAANNNNNNNNNNTCTCGCTCTCGTGTCCTCGGTAGACGCCGTGTTGGGCCTCCCACAGTGCTGGGATTACTGGCGTGCGCCAGCGCGCCCGGCCGAAAGACCACCTTCTTTT (p.Leu924delinsPhePheTyrPheLeuPhePhePhePheLeuPhePhePheTer)

Gene: TSC1 (TSC complex subunit 1; minus strand). Cytogenetic location: 9q34.13.
Variant type: Microsatellite.
Coding change: c.2771_2772insTTTTTATTTTTTATTTTTTTTTTTTTTATTTTTTTTTTAAAGGTAACATTCATCAGTAGCGCAGGTTGTTTTTGTATTGGGGGGTAAATCCTCAAGTCAAGCTCGACAGAANNNNNNNNNNTCTCGCTCTCGTGTCCTCGGTAGACGCCGTGTTGGGCCTCCCACAGTGCTGGGATTACTGGCGTGCGCCAGCGCGCCCGGCCGAAAGACCACCTTCTTTT on transcript NM_000368.5 (MANE Select); coding-DNA positions 2771 to 2772, TTTTTATTTTTTATTTTTTTTTTTTTTATTTTTTTTTTAAAGGTAACATTCATCAGTAGCGCAGGTTGTTTTTGTATTGGGGGGTAAATCCTCAAGTCAAGCTCGACAGAANNNNNNNNNNTCTCGCTCTCGTGTCCTCGGTAGACGCCGTGTTGGGCCTCCCACAGTGCTGGGATTACTGGCGTGCGCCAGCGCGCCCGGCCGAAAGACCACCTTCTTTT inserted.
Protein change: p.Leu924delinsPhePheTyrPheLeuPhePhePhePheLeuPhePhePheTer.
Molecular consequence: nonsense.
Genome position: GRCh38: chr9:132,897,465-132,897,482. GRCh37 (hg19): chr9:135,772,852-135,772,869.
Other names: c.2768_2769insTTTTTATTTTTTATTTTTTTTTTTTTTATTTTTTTTTTAAAGGTAACATTCATCAGTAGCGCAGGTTGTTTTTGTATTGGGGGGTAAATCCTCAAGTCAAGCTCGACAGAANNNNNNNNNNTCTCGCTCTCGTGTCCTCGGTAGACGCCGTGTTGGGCCTCCCACAGTGCTGGGATTACTGGCGTGCGCCAGCGCGCCCGGCCGAAAGACCACCTTCTTTT, p.Leu923delinsPhePheTyrPheLeuPhePhePhePheLeuPhePhePheTer (NM_001162426.2); c.2618_2619insTTTTTATTTTTTATTTTTTTTTTTTTTATTTTTTTTTTAAAGGTAACATTCATCAGTAGCGCAGGTTGTTTTTGTATTGGGGGGTAAATCCTCAAGTCAAGCTCGACAGAANNNNNNNNNNTCTCGCTCTCGTGTCCTCGGTAGACGCCGTGTTGGGCCTCCCACAGTGCTGGGATTACTGGCGTGCGCCAGCGCGCCCGGCCGAAAGACCACCTTCTTTT, p.Leu873delinsPhePheTyrPheLeuPhePhePhePheLeuPhePhePheTer (NM_001162427.2); c.2408_2409insTTTTTATTTTTTATTTTTTTTTTTTTTATTTTTTTTTTAAAGGTAACATTCATCAGTAGCGCAGGTTGTTTTTGTATTGGGGGGTAAATCCTCAAGTCAAGCTCGACAGAANNNNNNNNNNTCTCGCTCTCGTGTCCTCGGTAGACGCCGTGTTGGGCCTCCCACAGTGCTGGGATTACTGGCGTGCGCCAGCGCGCCCGGCCGAAAGACCACCTTCTTTT, p.Leu803delinsPhePheTyrPheLeuPhePhePhePheLeuPhePhePheTer (NM_001362177.2).
Identifiers: ClinVar variation 1073328 (VCV001073328.7).

ClinVar aggregate classification (germline): Pathogenic (1 of 4 stars; one submission).

Conditions:
Tuberous sclerosis 1 (TSC1). Identifiers: Orphanet 805, MedGen C1854465, MONDO:0008612, OMIM 191100.

Submission:

Labcorp Genetics (formerly Invitae), Labcorp
Classification: Pathogenic for Tuberous sclerosis 1. Last evaluated: 2018-11-26. Review status: criteria provided, single submitter. Criteria: Invitae Variant Classification Sherloc (09022015). Collection method: clinical testing. Allele origin: germline.
Comment: This variant is not present in population databases (ExAC no frequency). For these reasons, this variant has been classified as Pathogenic. Retrotransposon insertions including LINE1 (L1), Alu, and SVA (SINE-VNTR-Alu) have been reported to be disease-causing through disruption of either a coding region or splice site (PMID: 19763152, 20307669, 22406018) and loss-of-function variants in TSC1 are known to be pathogenic (PMID: 10227394, 17304050). Algorithms developed to predict the effect of sequence changes on RNA splicing suggest that this variant may create or strengthen a splice site, but this prediction has not been confirmed by published transcriptional studies. This variant has not been reported in the literature in individuals with TSC1-related conditions. This sequence change inserts a large fragment of DNA, likely a transposable element, in 21 of the TSC1 gene (c.2771_2772insAlu), causing a frameshift at codon p.Leu924). The exact size and sequence of the insertion cannot be determined by the current assay. However, the insertion is expected to result in an absent or disrupted protein product.

Literature cited by the submitters: PubMed 19763152; PubMed 20307669; PubMed 22406018; PubMed 10227394; PubMed 17304050.